The following is an entry in ClinVar:

NM_001134407.3(GRIN2A):c.2168+1G>T

Gene: GRIN2A (glutamate ionotropic receptor NMDA type subunit 2A; minus strand). Cytogenetic location: 16p13.2.
Variant type: single nucleotide variant.
Coding change: c.2168+1G>T on transcript NM_001134407.3 (MANE Select); the canonical splice donor site of the intron after coding-DNA position 2168, G replaced by T.
Molecular consequence: splice donor variant.
Genome position (GRCh38, 1-based): chr16:9,822,263, C>A on the plus strand (G>T on the coding strand, the complement: GRIN2A is on the minus strand). VCF-style: chr16-9822263-C-A. GRCh37 (hg19) VCF-style: chr16-9916120-C-A.
Other names: c.2168+1G>T (NM_001134408.2, NM_000833.5).
Identifiers: ClinVar variation 3723722 (VCV003723722.2).

ClinVar aggregate classification (germline): Pathogenic (1 of 4 stars; one submission).

Conditions:
Landau-Kleffner syndrome (FESD). Also called: EPILEPSY, FOCAL, WITH SPEECH DISORDER AND WITH OR WITHOUT MENTAL RETARDATION; APHASIA, ACQUIRED, WITH EPILEPSY. Identifiers: Orphanet 1945, Orphanet 725, Orphanet 98818, MedGen C0282512, MONDO:0009509, OMIM 245570.

Submission:

Labcorp Genetics (formerly Invitae), Labcorp
Classification: Pathogenic for Landau-Kleffner syndrome. Last evaluated: 2024-10-24. Review status: criteria provided, single submitter. Criteria: Invitae Variant Classification Sherloc (09022015). Collection method: clinical testing. Allele origin: germline.
Comment: This sequence change affects a donor splice site in intron 11 of the GRIN2A gene. It is expected to disrupt RNA splicing. Variants that disrupt the donor or acceptor splice site typically lead to a loss of protein function (PMID: 16199547), and loss-of-function variants in GRIN2A are known to be pathogenic (PMID: 23933819, 23933820). This variant is not present in population databases (gnomAD no frequency). Disruption of this splice site has been observed in individual(s) with GRIN2A-related conditions (internal data). In at least one individual the variant was observed to be de novo. Algorithms developed to predict the effect of sequence changes on RNA splicing suggest that this variant may disrupt the consensus splice site. For these reasons, this variant has been classified as Pathogenic.

Literature cited by the submitters: PubMed 16199547; PubMed 23933819; PubMed 23933820.